The following is an entry in ClinVar:

ClinVar aggregate classification (germline): Uncertain significance (1 of 4 stars; one submission).

Conditions:
Progressive microcephaly-seizures-cortical blindness-developmental delay syndrome. Also called: Seizures, cortical blindness, and microcephaly syndrome. Identifiers: Orphanet 477814, MedGen C5567650, MONDO:0014714, OMIM 616632.
Autosomal dominant nonsyndromic hearing loss 1. Also called: KONIGSMARK SYNDROME; DEAFNESS, AUTOSOMAL DOMINANT 1, WITH OR WITHOUT THROMBOCYTOPENIA. Identifiers: Orphanet 90635, MedGen C1852282, MONDO:0007424, OMIM 124900.

Submission:

Labcorp Genetics (formerly Invitae), Labcorp
Classification: Uncertain significance for Progressive microcephaly-seizures-cortical blindness-developmental delay syndrome; Autosomal dominant nonsyndromic hearing loss 1. Last evaluated: 2024-12-12. Review status: criteria provided, single submitter. Criteria: Invitae Variant Classification Sherloc (09022015). Collection method: clinical testing. Allele origin: germline.
Comment: This sequence change replaces aspartic acid, which is acidic and polar, with asparagine, which is neutral and polar, at codon 916 of the DIAPH1 protein (p.Asp916Asn). This variant is not present in population databases (gnomAD no frequency). This variant has not been reported in the literature in individuals affected with DIAPH1-related conditions. ClinVar contains an entry for this variant (Variation ID: 2941910). An algorithm developed to predict the effect of missense changes on protein structure and function (PolyPhen-2) suggests that this variant is likely to be tolerated. In summary, the available evidence is currently insufficient to determine the role of this variant in disease. Therefore, it has been classified as a Variant of Uncertain Significance.

NM_005219.5(DIAPH1):c.2746G>A (p.Asp916Asn)

Gene: DIAPH1 (diaphanous related formin 1; minus strand). Cytogenetic location: 5q31.3.
Variant type: single nucleotide variant.
Coding change: c.2746G>A on transcript NM_005219.5 (MANE Select); coding-DNA position 2746, G replaced by A.
Protein change: p.Asp916Asn; replaces aspartic acid 916 with asparagine.
Molecular consequence: missense variant.
Genome position (GRCh38, 1-based): chr5:141,529,204, C>T on the plus strand (G>A on the coding strand, the complement: DIAPH1 is on the minus strand). VCF-style: chr5-141529204-C-T. GRCh37 (hg19) VCF-style: chr5-140908771-C-T.
Other names: c.2719G>A, p.Asp907Asn (NM_001079812.3); c.2746G>A, p.Asp916Asn (NM_001314007.2); short protein forms D916N, D907N.
Identifiers: ClinVar variation 2941910 (VCV002941910.3), dbSNP rs2513626475, ClinGen allele CA361585789.